The following is an entry in ClinVar:

NM_032608.7(MYO18B):c.2080C>T (p.Arg694Ter)

Gene: MYO18B (myosin XVIIIB; plus strand). Cytogenetic location: 22q12.1.
Variant type: single nucleotide variant.
Coding change: c.2080C>T on transcript NM_032608.7 (MANE Select); coding-DNA position 2080, C replaced by T.
Protein change: p.Arg694Ter; replaces arginine 694 with a stop codon.
Molecular consequence: nonsense.
Genome position (GRCh38, 1-based): chr22:25,780,067, C>T. VCF-style: chr22-25780067-C-T. GRCh37 (hg19) VCF-style: chr22-26176034-C-T.
Other names: c.2080C>T, p.Arg694Ter (NM_001318245.2); short protein forms R694*.
Identifiers: ClinVar variation 1380883 (VCV001380883.6), dbSNP rs772949800, ClinGen allele CA322764279.

ClinVar aggregate classification (germline): Pathogenic (1 of 4 stars; one submission).

Allele frequency attached by ClinVar (database versions not stated): gnomAD 0.00001; gnomAD exomes 0.00001; TOPMed 0.00001.
gnomAD v4.1: 14 of 1,592,014 alleles (0.00088%); highest among the groups gnomAD compares: African/African-American, 0.0013%; no homozygotes.

Submission:

Labcorp Genetics (formerly Invitae), Labcorp
Classification: Pathogenic. Last evaluated: 2022-09-19. Review status: criteria provided, single submitter. Criteria: Invitae Variant Classification Sherloc (09022015). Collection method: clinical testing. Allele origin: germline.
Comment: For these reasons, this variant has been classified as Pathogenic. ClinVar contains an entry for this variant (Variation ID: 1380883). This variant has not been reported in the literature in individuals affected with MYO18B-related conditions. The frequency data for this variant in the population databases is considered unreliable, as metrics indicate poor data quality at this position in the gnomAD database. This sequence change creates a premature translational stop signal (p.Arg694*) in the MYO18B gene. It is expected to result in an absent or disrupted protein product. Loss-of-function variants in MYO18B are known to be pathogenic (PMID: 25748484, 32184166, 32637634).

Literature cited by the submitters: PubMed 25748484; PubMed 32184166; PubMed 32637634.